The following is an entry in ClinVar:

NM_001931.5(DLAT):c.629C>T (p.Ala210Val)

Gene: DLAT (dihydrolipoamide S-acetyltransferase; plus strand). Cytogenetic location: 11q23.1.
Variant type: single nucleotide variant.
Coding change: c.629C>T on transcript NM_001931.5 (MANE Select); coding-DNA position 629, C replaced by T.
Protein change: p.Ala210Val; replaces alanine 210 with valine.
Molecular consequence: missense variant. On other transcripts: non-coding transcript variant (1), intron variant (2).
Genome position (GRCh38, 1-based): chr11:112,028,914, C>T. VCF-style: chr11-112028914-C-T. GRCh37 (hg19) VCF-style: chr11-111899638-C-T.
Other names: c.629C>T, p.Ala210Val (NM_001372031.1, NM_001372032.1, NM_001372033.1 and 3 more transcripts); c.596C>T, p.Ala199Val (NM_001372034.1); c.503C>T, p.Ala168Val (NM_001372036.1); c.461C>T, p.Ala154Val (NM_001372037.1); c.167C>T, p.Ala56Val (NM_001372042.1); c.381+2615C>T (NM_001372038.1); c.364+2632C>T (NM_001372040.1); short protein forms A199V, A56V, A154V, A168V, A210V.
Identifiers: ClinVar variation 2739561 (VCV002739561.3), dbSNP rs1555179705, ClinGen allele CA382602005.
Genomic context (GRCh38, chr11:112,028,914, plus strand): 5'-AAGCGGCCCCAGCACCAACCCCTGCTGCCACTGCTTCGCCACCTACACCTTCTGCTCAGG[C>T]TCCTGGTAGCTCATATCCCCCTCACATGCAGGTGAGGCTCAGCCTCTGAGTTTTTGCTCT-3'
Protein context (NP_001922.2, residues 200-220): TASPPTPSAQ[Ala210Val]PGSSYPPHMQ

ClinVar aggregate classification (germline): Uncertain significance (1 of 4 stars; one submission).

Conditions:
Pyruvate dehydrogenase E2 deficiency (PDHDD). Also called: Dihydrolipoamide Acetyltransferase (E2) Deficiency; LACTIC ACIDEMIA DUE TO DEFECT OF E2 LIPOYL TRANSACETYLASE OF THE PYRUVATE DEHYDROGENASE COMPLEX. Identifiers: Orphanet 765, Orphanet 79244, MedGen C1855565, MONDO:0009502, OMIM 245348.

Allele frequency attached by ClinVar (database versions not stated): gnomAD exomes 0.00001.
gnomAD v4.1: 3 of 1,614,164 alleles (0.00019%); highest among the groups gnomAD compares: Non-Finnish European, 0.00025%; no homozygotes.

Submission:

Labcorp Genetics (formerly Invitae), Labcorp
Classification: Uncertain significance for Pyruvate dehydrogenase E2 deficiency. Last evaluated: 2025-02-24. Review status: criteria provided, single submitter. Criteria: Invitae Variant Classification Sherloc (09022015). Collection method: clinical testing. Allele origin: germline.
Comment: This sequence change replaces alanine, which is neutral and non-polar, with valine, which is neutral and non-polar, at codon 210 of the DLAT protein (p.Ala210Val). This variant is present in population databases (no rsID available, gnomAD 0.0009%). This variant has not been reported in the literature in individuals affected with DLAT-related conditions. ClinVar contains an entry for this variant (Variation ID: 2739561). Invitae Evidence Modeling of protein sequence and biophysical properties (such as structural, functional, and spatial information, amino acid conservation, physicochemical variation, residue mobility, and thermodynamic stability) indicates that this missense variant is not expected to disrupt DLAT protein function with a negative predictive value of 80%. In summary, the available evidence is currently insufficient to determine the role of this variant in disease. Therefore, it has been classified as a Variant of Uncertain Significance.